The following is an entry in ClinVar:

NM_000551.4(VHL):c.143T>G (p.Leu48Arg)

Gene: VHL (von Hippel-Lindau tumor suppressor; plus strand). Cytogenetic location: 3p25.3.
Variant type: single nucleotide variant.
Coding change: c.143T>G on transcript NM_000551.4 (MANE Select); coding-DNA position 143, T replaced by G.
Protein change: p.Leu48Arg; replaces leucine 48 with arginine.
Molecular consequence: missense variant.
Genome position (GRCh38, 1-based): chr3:10,141,990, T>G. VCF-style: chr3-10141990-T-G. GRCh37 (hg19) VCF-style: chr3-10183674-T-G.
Other names: c.143T>G, p.Leu48Arg (NM_001354723.2, NM_198156.3); short protein forms L48R.
Identifiers: ClinVar variation 526676 (VCV000526676.9), dbSNP rs199959170, ClinGen allele CA039460.

ClinVar aggregate classification (germline): Uncertain significance (1 of 4 stars; one submission).

Conditions:
Chuvash polycythemia. Also called: POLYCYTHEMIA, VHL-DEPENDENT. Identifiers: Orphanet 238557, MedGen C1837915, MONDO:0009892, OMIM 263400.
Von Hippel-Lindau syndrome (VHLS). Also called: von Hippel–Lindau syndrome; VHL syndrome; Von Hippel-Lindau. Identifiers: Orphanet 892, MedGen C0019562, MONDO:0008667, OMIM 193300. Disease mechanism: loss of function.

Allele frequency attached by ClinVar (database versions not stated): gnomAD exomes below 0.00001 and 0.00001; ExAC 0.00005.
gnomAD v4.1: 1 of 1,573,438 alleles (0.000064%); highest among the groups gnomAD compares: South Asian, 0.0012%; no homozygotes.

Submission:

Labcorp Genetics (formerly Invitae), Labcorp
Classification: Uncertain significance for Von Hippel-Lindau syndrome; Chuvash polycythemia. Last evaluated: 2017-10-21. Review status: criteria provided, single submitter. Criteria: Invitae Variant Classification Sherloc (09022015). Collection method: clinical testing. Allele origin: germline.
Comment: This variant has not been reported in the literature in individuals with VHL-related disease. This variant is present in population databases (rs199959170, ExAC 0.01%). This sequence change replaces leucine with arginine at codon 48 of the VHL protein (p.Leu48Arg). The leucine residue is weakly conserved and there is a moderate physicochemical difference between leucine and arginine. In summary, the available evidence is currently insufficient to determine the role of this variant in disease. Therefore, it has been classified as a Variant of Uncertain Significance. Algorithms developed to predict the effect of missense changes on protein structure and function do not agree on the potential impact of this missense change (SIFT: "Tolerated"; PolyPhen-2: "Possibly Damaging"; Align-GVGD: "Class C0").